The following is an entry in ClinVar:

ClinVar aggregate classification (germline): Likely pathogenic (1 of 4 stars; one submission).

Conditions:
Severe early-childhood-onset retinal dystrophy (STGD1). Also called: Stargardt macular dystrophy; Juvenile onset macular degeneration; Stargardt disease 1; MACULAR DYSTROPHY WITH FLECKS, TYPE 1; STGD. Identifiers: Orphanet 364055, Orphanet 827, MedGen C1855465, MeSH D000080362, MONDO:0009549, OMIM 248200.

gnomAD v4.1: 1 of 1,614,150 alleles (0.000062%); highest among the groups gnomAD compares: South Asian, 0.0011%; no homozygotes.

Submission:

Juno Genomics, Hangzhou Juno Genomics, Inc
Classification: Likely pathogenic for Severe early-childhood-onset retinal dystrophy. Review status: criteria provided, single submitter. Criteria: ACMG Guidelines, 2015. Collection method: clinical testing. Allele origin: germline. Affected: yes.
Comment: Absent from controls (or at extremely low frequency if recessive) in Genome Aggregation Database, Exome Sequencing Project, 1000 Genomes Project, or Exome Aggregation Consortium.;Multiple lines of computational evidence support a deleterious effect on the gene or gene product (conservation, evolutionary, splicing impact, etc).;For recessive disorders, detected in trans with a pathogenic variant.;Patient's phenotype or family history is highly specific for a disease with a single genetic etiology.

NM_000350.3(ABCA4):c.1019A>G (p.Tyr340Cys)

Gene: ABCA4 (ATP binding cassette subfamily A member 4; minus strand). Cytogenetic location: 1p22.1.
Variant type: single nucleotide variant.
Coding change: c.1019A>G on transcript NM_000350.3 (MANE Select); coding-DNA position 1019, A replaced by G.
Protein change: p.Tyr340Cys; replaces tyrosine 340 with cysteine.
Molecular consequence: missense variant.
Genome position (GRCh38, 1-based): chr1:94,080,558, T>C on the plus strand (A>G on the coding strand, the complement: ABCA4 is on the minus strand). VCF-style: chr1-94080558-T-C. GRCh37 (hg19) VCF-style: chr1-94546114-T-C.
Other names: c.1019A>G, p.Tyr340Cys (NM_001425324.1); short protein forms Y340C.
Identifiers: ClinVar variation 3392496 (VCV003392496.2).